The following is an entry in ClinVar:

ClinVar aggregate classification (germline): Uncertain significance (1 of 4 stars; one submission).

Conditions:
Alstrom syndrome (ALMS). Identifiers: Orphanet 64, MedGen C0268425, MONDO:0008763, OMIM 203800.

Allele frequency attached by ClinVar (database versions not stated): gnomAD exomes below 0.00001; ExAC 0.00001.
gnomAD v4.1: 1 of 1,613,842 alleles (0.000062%); highest among the groups gnomAD compares: East Asian, 0.0022%; no homozygotes.

Submission:

Labcorp Genetics (formerly Invitae), Labcorp
Classification: Uncertain significance for Alstrom syndrome. Last evaluated: 2022-07-09. Review status: criteria provided, single submitter. Criteria: Invitae Variant Classification Sherloc (09022015). Collection method: clinical testing. Allele origin: germline.
Comment: This sequence change replaces methionine, which is neutral and non-polar, with threonine, which is neutral and polar, at codon 3561 of the ALMS1 protein (p.Met3561Thr). This variant is present in population databases (rs752203028, gnomAD 0.006%). This variant has not been reported in the literature in individuals affected with ALMS1-related conditions. ClinVar contains an entry for this variant (Variation ID: 1364306). Experimental studies and prediction algorithms are not available or were not evaluated, and the functional significance of this variant is currently unknown. In summary, the available evidence is currently insufficient to determine the role of this variant in disease. Therefore, it has been classified as a Variant of Uncertain Significance.

NM_001378454.1(ALMS1):c.10679T>C (p.Met3560Thr)

Gene: ALMS1 (ALMS1 centrosome and basal body associated protein; plus strand). Cytogenetic location: 2p13.1.
Variant type: single nucleotide variant.
Coding change: c.10679T>C on transcript NM_001378454.1 (MANE Select); coding-DNA position 10679, T replaced by C.
Protein change: p.Met3560Thr; replaces methionine 3560 with threonine.
Molecular consequence: missense variant.
Genome position (GRCh38, 1-based): chr2:73,572,556, T>C. VCF-style: chr2-73572556-T-C. GRCh37 (hg19) VCF-style: chr2-73799683-T-C.
Other names: c.10682T>C, p.Met3561Thr (NM_015120.4); short protein forms M3560T, M3561T.
Identifiers: ClinVar variation 1364306 (VCV001364306.3), dbSNP rs752203028, ClinGen allele CA1715044.